The following is an entry in ClinVar:

ClinVar aggregate classification (germline): Pathogenic (1 of 4 stars; one submission).

Conditions:
Deficiency of alpha-mannosidase (MANSA). Also called: Mannosidosis, alpha-, types I and II; Alpha-Mannosidosis; LYSOSOMAL ALPHA-D-MANNOSIDASE DEFICIENCY. Identifiers: Orphanet 61, MedGen C0024748, MONDO:0009561, OMIM 248500.

Submission:

Labcorp Genetics (formerly Invitae), Labcorp
Classification: Pathogenic for Deficiency of alpha-mannosidase. Last evaluated: 2022-08-09. Review status: criteria provided, single submitter. Criteria: Invitae Variant Classification Sherloc (09022015). Collection method: clinical testing. Allele origin: germline.
Comment: For these reasons, this variant has been classified as Pathogenic. This variant has not been reported in the literature in individuals affected with MAN2B1-related conditions. Information on the frequency of this variant in the gnomAD database is not available, as this variant may be reported differently in the database. This sequence change creates a premature translational stop signal (p.Pro705*) in the MAN2B1 gene. It is expected to result in an absent or disrupted protein product. Loss-of-function variants in MAN2B1 are known to be pathogenic (PMID: 9915946, 22161967).

Literature cited by the submitters: PubMed 9915946; PubMed 22161967.

NM_000528.4(MAN2B1):c.2113_2114delinsTA (p.Pro705Ter)

Gene: MAN2B1 (mannosidase alpha class 2B member 1; minus strand). Cytogenetic location: 19p13.13.
Variant type: Indel.
Coding change: c.2113_2114delinsTA on transcript NM_000528.4 (MANE Select); coding-DNA positions 2113 to 2114, CC replaced by TA.
Protein change: p.Pro705Ter; replaces proline 705 with a stop codon.
Molecular consequence: nonsense.
Genome position (GRCh38, 1-based): chr19:12,650,155-12,650,156, GG replaced by TA on the plus strand (CC replaced by TA on the coding strand, the reverse complement: MAN2B1 is on the minus strand). VCF-style: chr19-12650155-GG-TA. GRCh37 (hg19) VCF-style: chr19-12760969-GG-TA.
Other names: c.2110_2111delinsTA, p.Pro704Ter (NM_001173498.2); short protein forms P704*, P705*.
Identifiers: ClinVar variation 2091090 (VCV002091090.4), dbSNP rs2512489979, ClinGen allele CA2580096694.
Genomic context (GRCh38, chr19:12,650,155, plus strand): 5'-GCCACTCACCCCACAGGTATCGGCCCCACCGACCACTCTAGCTCCAGGTGCCGCTGTCCT[GG>TA]GTACAGGCGAACCACCTGGGAACACCAAGCTGAGAAGTTCTGGTGCACCTCCTGCACCAA-3'